The following is an entry in ClinVar:

ClinVar aggregate classification (germline): Likely benign (1 of 4 stars; one submission).

Conditions:
DAAM2-related disorder. Also called: DAAM2-related condition.

gnomAD v4.1: 127 of 1,522,446 alleles (0.0083%); highest among the groups gnomAD compares: East Asian, 0.17%; no homozygotes.

Submission:

PreventionGenetics, part of Exact Sciences
Classification: Likely benign for DAAM2-related condition. Last evaluated: 2026-04-26. Review status: criteria provided, single submitter. Criteria: ACMG Guidelines, 2015. Collection method: clinical testing. Allele origin: germline.
Comment: This variant is classified as likely benign based on ACMG/AMP sequence variant interpretation guidelines (Richards et al. 2015 PMID: 25741868, with internal and published modifications).

NM_001201427.2(DAAM2):c.2983-5C>T

Gene: DAAM2 (dishevelled associated activator of morphogenesis 2; plus strand). Cytogenetic location: 6p21.2.
Variant type: single nucleotide variant.
Coding change: c.2983-5C>T on transcript NM_001201427.2 (MANE Select); 5 bases into the intron before coding-DNA position 2983, C replaced by T.
Molecular consequence: intron variant.
Genome position (GRCh38, 1-based): chr6:39,901,808, C>T. VCF-style: chr6-39901808-C-T. GRCh37 (hg19) VCF-style: chr6-39869584-C-T.
Other names: c.2980-5C>T (NM_015345.4).
Identifiers: ClinVar variation 4978756 (VCV004978756.1).